The following is an entry in ClinVar:

NM_002292.4(LAMB2):c.3241C>T (p.Pro1081Ser)

Gene: LAMB2 (laminin subunit beta 2; minus strand). Cytogenetic location: 3p21.31.
Variant type: single nucleotide variant.
Coding change: c.3241C>T on transcript NM_002292.4 (MANE Select); coding-DNA position 3241, C replaced by T.
Protein change: p.Pro1081Ser; replaces proline 1081 with serine.
Molecular consequence: missense variant.
Genome position (GRCh38, 1-based): chr3:49,124,481, G>A on the plus strand (C>T on the coding strand, the complement: LAMB2 is on the minus strand). VCF-style: chr3-49124481-G-A. GRCh37 (hg19) VCF-style: chr3-49161914-G-A.
Other names: short protein forms P1081S.
Identifiers: ClinVar variation 1406529 (VCV001406529.8), dbSNP rs1247420057, ClinGen allele CA352710934.
Genomic context (GRCh38, chr3:49,124,481, plus strand): 5'-GGCTTGGGTGGCAGGCACAAGGCTGGCAACCATGGCCACTGGTGAGGTTCCAGAAGTTGG[G>A]GGCACAGCGGTCACAGCTAGGGCCCTGGACATTGGGGAGGCATGGGCACTGCCCACTGCT-3'
Protein context (NP_002283.3, residues 1071-1091): VQGPSCDRCA[Pro1081Ser]NFWNLTSGHG

ClinVar aggregate classification (germline): Uncertain significance (1 of 4 stars; one submission).

Conditions:
Pierson syndrome. Also called: MICROCORIA-CONGENITAL NEPHROTIC SYNDROME. Identifiers: Orphanet 2670, MedGen C1836876, MONDO:0012184, OMIM 609049.
LAMB2-related infantile-onset nephrotic syndrome. Also called: Nephrotic Syndrome, type 5; NEPHROTIC SYNDROME, TYPE 5, WITHOUT OCULAR ABNORMALITIES; NEPHROTIC SYNDROME, TYPE 5, WITH OCULAR ABNORMALITIES. Identifiers: Orphanet 306507, MedGen C3280113, MONDO:0013621, OMIM 614199.

Allele frequency attached by ClinVar (database versions not stated): gnomAD exomes 0.00001.
gnomAD v4.1: 16 of 1,613,796 alleles (0.00099%); highest among the groups gnomAD compares: East Asian, 0.036%; no homozygotes.

Submission:

Labcorp Genetics (formerly Invitae), Labcorp
Classification: Uncertain significance for LAMB2-related infantile-onset nephrotic syndrome; Pierson syndrome. Last evaluated: 2022-06-20. Review status: criteria provided, single submitter. Criteria: Invitae Variant Classification Sherloc (09022015). Collection method: clinical testing. Allele origin: germline.
Comment: This sequence change replaces proline, which is neutral and non-polar, with serine, which is neutral and polar, at codon 1081 of the LAMB2 protein (p.Pro1081Ser). This variant is not present in population databases (gnomAD no frequency). This variant has not been reported in the literature in individuals affected with LAMB2-related conditions. Algorithms developed to predict the effect of missense changes on protein structure and function (SIFT, PolyPhen-2, Align-GVGD) all suggest that this variant is likely to be disruptive. In summary, the available evidence is currently insufficient to determine the role of this variant in disease. Therefore, it has been classified as a Variant of Uncertain Significance.